The following is an entry in ClinVar:

ClinVar aggregate classification (germline): Uncertain significance. Review status: criteria provided, multiple submitters, no conflicts (2 of 4 stars). 2 submissions from 2 submitters: Uncertain significance (2). Last evaluated 2025-04-19.

Conditions:
Hereditary cancer-predisposing syndrome. Also called: Hereditary neoplastic syndrome; Hereditary Cancer Syndrome; Neoplastic Syndromes, Hereditary; Tumor predisposition. Identifiers: Orphanet 140162, MedGen C0027672, MeSH D009386, MONDO:0015356.
Familial adenomatous polyposis 1 (FAP1). Also called: FAMILIAL ADENOMATOUS POLYPOSIS 1, ATTENUATED; POLYPOSIS, ADENOMATOUS INTESTINAL. Identifiers: MedGen C2713442, MONDO:0021056, OMIM 175100. Disease mechanism: loss of function.

Submissions (2):

Ambry Genetics
Classification: Uncertain significance for Hereditary cancer-predisposing syndrome. Last evaluated: 2025-04-19. Review status: criteria provided, single submitter. Criteria: Ambry Variant Classification Scheme 2023. Collection method: clinical testing. Allele origin: germline.
Comment: The p.S280L variant (also known as c.839C>T), located in coding exon 8 of the APC gene, results from a C to T substitution at nucleotide position 839. The serine at codon 280 is replaced by leucine, an amino acid with dissimilar properties. This amino acid position is well conserved in available vertebrate species. In addition, in silico predictors for this gene do not accurately predict pathogenicity. Missense alterations in APC are not a common cause of disease (Spier I et al. Genet Med. 2024 Feb;26(2):100992). Based on the available evidence, the clinical significance of this variant remains unclear.

Labcorp Genetics (formerly Invitae), Labcorp
Classification: Uncertain significance for Familial adenomatous polyposis 1. Last evaluated: 2024-03-21. Review status: criteria provided, single submitter. Criteria: Invitae Variant Classification Sherloc (09022015). Collection method: clinical testing. Allele origin: germline.
Comment: This sequence change replaces serine, which is neutral and polar, with leucine, which is neutral and non-polar, at codon 280 of the APC protein (p.Ser280Leu). This variant is not present in population databases (gnomAD no frequency). This variant has not been reported in the literature in individuals affected with APC-related conditions. ClinVar contains an entry for this variant (Variation ID: 229783). Advanced modeling of protein sequence and biophysical properties (such as structural, functional, and spatial information, amino acid conservation, physicochemical variation, residue mobility, and thermodynamic stability) performed at Invitae indicates that this missense variant is not expected to disrupt APC protein function with a negative predictive value of 95%. In summary, the available evidence is currently insufficient to determine the role of this variant in disease. Therefore, it has been classified as a Variant of Uncertain Significance.

NM_000038.6(APC):c.839C>T (p.Ser280Leu)

Gene: APC (APC regulator of Wnt signaling pathway; plus strand). Cytogenetic location: 5q22.2.
Variant type: single nucleotide variant.
Coding change: c.839C>T on transcript NM_000038.6 (MANE Select); coding-DNA position 839, C replaced by T.
Protein change: p.Ser280Leu; replaces serine 280 with leucine.
Molecular consequence: missense variant. On other transcripts: 5 prime UTR variant (1).
Genome position (GRCh38, 1-based): chr5:112,815,499, C>T. VCF-style: chr5-112815499-C-T. GRCh37 (hg19) VCF-style: chr5-112151196-C-T.
Other names: c.839C>T, p.Ser280Leu (NM_001127510.3, NM_001354895.2, NM_001354896.2 and 1 more transcripts); c.785C>T, p.Ser262Leu (NM_001127511.3); c.869C>T, p.Ser290Leu (NM_001354897.2, NM_001354902.2); c.764C>T, p.Ser255Leu (NM_001354898.2, NM_001354904.2); c.755C>T, p.Ser252Leu (NM_001354899.2); c.662C>T, p.Ser221Leu (NM_001354900.2, NM_001354901.2, NM_001354905.2); c.-11C>T (NM_001354906.2); short protein forms S262L, S280L, S221L, S290L, S252L, S255L.
Identifiers: ClinVar variation 229783 (VCV000229783.12), dbSNP rs137854569, ClinGen allele CA10578299.
Genomic context (GRCh38, chr5:112,815,499, plus strand): 5'-TATCTGTATTTACCTATAGTCTAAATTATACCATCTATAATGTGCTTAATTTTTAGGGTT[C>T]AACTACACGAATGGACCATGAAACAGCCAGTGTTTTGAGTTCTAGTAGCACACACTCTGC-3'
Protein context (NP_000029.2, residues 270-290): NMATSGNGQG[Ser280Leu]TTRMDHETAS